The following is an entry in ClinVar:

ClinVar aggregate classification (germline): not provided (0 of 4 stars; one submission).

Allele frequency attached by ClinVar (database versions not stated): gnomAD exomes below 0.00001 and 0.00002; TOPMed 0.00001; ExAC 0.00002; ESP Exome Variant Server 0.00008; 1000 Genomes Project 30x 0.00016; 1000 Genomes Project 0.00020.
gnomAD v4.1: 7 of 1,613,804 alleles (0.00043%); highest among the groups gnomAD compares: South Asian, 0.0011%; no homozygotes.

Submission:

ITMI
No classification provided. Condition: AllHighlyPenetrant. Last evaluated: 2013-09-19. Review status: no classification provided. Collection method: reference population. Allele origin: germline.
Comment: Please see associated publication for description of ethnicities

Literature cited by the submitters: PubMed 24728327.

NM_002520.7(NPM1):c.428C>G (p.Ser143Cys)

Gene: NPM1 (nucleophosmin 1; plus strand). Cytogenetic location: 5q35.1.
Variant type: single nucleotide variant.
Coding change: c.428C>G on transcript NM_002520.7 (MANE Select); coding-DNA position 428, C replaced by G.
Protein change: p.Ser143Cys; replaces serine 143 with cysteine.
Molecular consequence: missense variant.
Genome position (GRCh38, 1-based): chr5:171,392,785, C>G. VCF-style: chr5-171392785-C-G. GRCh37 (hg19) VCF-style: chr5-170819789-C-G.
Other names: c.428C>G, p.Ser143Cys (NM_001037738.3, NM_001355006.2, NM_001355009.2 and 1 more transcripts); c.236C>G, p.Ser79Cys (NM_001355007.2); c.134C>G, p.Ser45Cys (NM_001355010.2); short protein forms S143C, S79C, S45C.
Identifiers: ClinVar variation 134989 (VCV000134989.1), dbSNP rs375558588, ClinGen allele CA161306.
Genomic context (GRCh38, chr5:171,392,785, plus strand): 5'-CAGAGTCAGAAGATGAAGAGGAGGAGGATGTGAAACTCTTAAGTATATCTGGAAAGCGGT[C>G]TGCCCCTGGAGGTGGTAGCAAGGTTCCACAGGTAGAGATGGCAATTTTATTATAGGTTTT-3'
Protein context (NP_002511.1, residues 133-153): VKLLSISGKR[Ser143Cys]APGGGSKVPQ